The following is an entry in ClinVar:

NM_006979.3(SLC39A7):c.1322G>C (p.Arg441Thr)

Gene: SLC39A7 (solute carrier family 39 member 7; plus strand). Cytogenetic location: 6p21.32.
Variant type: single nucleotide variant.
Coding change: c.1322G>C on transcript NM_006979.3 (MANE Select); coding-DNA position 1322, G replaced by C.
Protein change: p.Arg441Thr; replaces arginine 441 with threonine.
Molecular consequence: missense variant.
Genome position (GRCh38, 1-based): chr6:33,203,725, G>C. VCF-style: chr6-33203725-G-C. GRCh37 (hg19) VCF-style: chr6-33171502-G-C.
Other names: c.1322G>C, p.Arg441Thr (NM_001077516.2); c.947G>C, p.Arg316Thr (NM_001288777.2); c.1322G>C (NM_006979.2); short protein forms R316T, R441T.
Identifiers: ClinVar variation 1913229 (VCV001913229.4), dbSNP rs200525744, ClinGen allele CA3752454.

ClinVar aggregate classification (germline): Uncertain significance. Review status: criteria provided, multiple submitters, no conflicts (2 of 4 stars). 2 submissions from 2 submitters: Uncertain significance (2). Last evaluated 2024-01-30.

Submissions (2):

Ambry Genetics
Classification: Uncertain significance. Last evaluated: 2024-01-30. Review status: criteria provided, single submitter. Criteria: Ambry Variant Classification Scheme 2023. Collection method: clinical testing. Allele origin: germline.

Labcorp Genetics (formerly Invitae), Labcorp
Classification: Uncertain significance. Last evaluated: 2023-12-11. Review status: criteria provided, single submitter. Criteria: Invitae Variant Classification Sherloc (09022015). Collection method: clinical testing. Allele origin: germline.
Comment: This sequence change replaces arginine, which is basic and polar, with threonine, which is neutral and polar, at codon 441 of the SLC39A7 protein (p.Arg441Thr). This variant is present in population databases (rs200525744, gnomAD 0.002%). This variant has not been reported in the literature in individuals affected with SLC39A7-related conditions. ClinVar contains an entry for this variant (Variation ID: 1913229). An algorithm developed to predict the effect of missense changes on protein structure and function (PolyPhen-2) suggests that this variant¬†is likely to be tolerated. In summary, the available evidence is currently insufficient to determine the role of this variant in disease. Therefore, it has been classified as a Variant of Uncertain Significance.